The following is an entry in ClinVar:

ClinVar aggregate classification (germline): Uncertain significance (1 of 4 stars; one submission).

Conditions:
GNAI1-related disorder.

Submission:

Daryl Scott Lab, Baylor College of Medicine
Classification: Uncertain significance for GNAI1-related disorder. Last evaluated: 2024-01-01. Review status: criteria provided, single submitter. Criteria: ACMG Guidelines, 2015. Collection method: clinical testing. Allele origin: de novo. Observed: 1 heterozygote.
Comment: PS2, PM2

NM_002069.6(GNAI1):c.134_141delinsATAAAGGA (p.Gly45_Ser47delinsAspLysGly)

Gene: GNAI1 (G protein subunit alpha i1; plus strand). Cytogenetic location: 7q21.11.
Variant type: Indel.
Coding change: c.134_141delinsATAAAGGA on transcript NM_002069.6 (MANE Select); coding-DNA positions 134 to 141, GTAAAAGT replaced by ATAAAGGA.
Protein change: p.Gly45_Ser47delinsAspLysGly.
Molecular consequence: missense variant. On other transcripts: 5 prime UTR variant (1).
Genome position (GRCh38, 1-based): chr7:80,188,966-80,188,973, GTAAAAGT replaced by ATAAAGGA. VCF-style: chr7-80188966-GTAAAAGT-ATAAAGGA. GRCh37 (hg19) VCF-style: chr7-79818282-GTAAAAGT-ATAAAGGA.
Other names: c.-23_-16delinsATAAAGGA (NM_001256414.2).
Identifiers: ClinVar variation 3764588 (VCV003764588.1).